The following is an entry in ClinVar:

NM_032608.7(MYO18B):c.7356G>C (p.Gln2452His)

Gene: MYO18B (myosin XVIIIB; plus strand). Cytogenetic location: 22q12.1.
Variant type: single nucleotide variant.
Coding change: c.7356G>C on transcript NM_032608.7 (MANE Select); coding-DNA position 7356, G replaced by C.
Protein change: p.Gln2452His; replaces glutamine 2452 with histidine.
Molecular consequence: missense variant.
Genome position (GRCh38, 1-based): chr22:26,027,330, G>C. VCF-style: chr22-26027330-G-C. GRCh37 (hg19) VCF-style: chr22-26423296-G-C.
Other names: c.7359G>C, p.Gln2453His (NM_001318245.2); c.7356G>C (NM_032608.6, NM_032608.5); short protein forms Q2452H, Q2453H.
Identifiers: ClinVar variation 1594837 (VCV001594837.10), dbSNP rs201496617, ClinGen allele CA10161758.

ClinVar aggregate classification (germline): Conflicting classifications of pathogenicity. Review status: criteria provided, conflicting classifications (1 of 4 stars). 3 submissions from 3 submitters: Uncertain significance (1); Likely benign (2). Last evaluated 2026-01-19.

Conditions:
MYO18B-related disorder. Also called: MYO18B-related condition.
Inborn genetic diseases. Identifiers: MedGen C0950123, MeSH D030342.

Allele frequency attached by ClinVar (database versions not stated): ESP Exome Variant Server 0.00081; 1000 Genomes Project 0.00120; 1000 Genomes Project 30x 0.00125; gnomAD exomes 0.00016; ExAC 0.00021; gnomAD 0.00059 and 0.00062; TOPMed 0.00068.
gnomAD v4.1: 176 of 1,614,004 alleles (0.011%); highest among the groups gnomAD compares: African/African-American, 0.19%; 1 homozygote.

Submissions (3):

Labcorp Genetics (formerly Invitae), Labcorp
Classification: Likely benign. Last evaluated: 2026-01-19. Review status: criteria provided, single submitter. Criteria: Invitae Variant Classification Sherloc (09022015). Collection method: clinical testing. Allele origin: germline.

PreventionGenetics, part of Exact Sciences
Classification: Likely benign for MYO18B-related condition. Last evaluated: 2025-04-14. Review status: criteria provided, single submitter. Criteria: ACMG Guidelines, 2015. Collection method: clinical testing. Allele origin: germline.
Comment: This variant is classified as likely benign based on ACMG/AMP sequence variant interpretation guidelines (Richards et al. 2015 PMID: 25741868, with internal and published modifications).

Ambry Genetics
Classification: Uncertain significance for Inborn genetic diseases. Last evaluated: 2025-04-12. Review status: criteria provided, single submitter. Criteria: Ambry Variant Classification Scheme 2023. Collection method: clinical testing. Allele origin: germline.